The following is an entry in ClinVar:

ClinVar aggregate classification (germline): Conflicting classifications of pathogenicity. Review status: criteria provided, conflicting classifications (1 of 4 stars). 3 submissions from 3 submitters: Uncertain significance (1); Likely benign (1). 1 of the submissions does not count toward it. Last evaluated 2024-12-16.

Conditions:
Maple syrup urine disease (MSUD). Identifiers: Orphanet 511, MedGen C0024776, MeSH D008375, MONDO:0009563. Disease mechanism: loss of function.
Maple syrup urine disease type 1A (MSUD1A). Also called: MSUD type 1A. Identifiers: MedGen C1855369, MONDO:0023691, OMIM 248600.

Allele frequency attached by ClinVar (database versions not stated): ExAC below 0.00001; gnomAD 0.00001; gnomAD exomes 0.00002; TOPMed 0.00004.
gnomAD v4.1: 48 of 1,570,648 alleles (0.0031%); highest among the groups gnomAD compares: African/African-American, 0.012%; no homozygotes.

Submissions (3):

Labcorp Genetics (formerly Invitae), Labcorp
Classification: Uncertain significance for Maple syrup urine disease. Last evaluated: 2024-12-16. Review status: criteria provided, single submitter. Criteria: Invitae Variant Classification Sherloc (09022015). Collection method: clinical testing. Allele origin: germline.
Comment: This sequence change replaces arginine, which is basic and polar, with glutamine, which is neutral and polar, at codon 365 of the BCKDHA protein (p.Arg365Gln). The frequency data for this variant in the population databases is considered unreliable, as metrics indicate poor data quality at this position in the gnomAD database. This variant has not been reported in the literature in individuals affected with BCKDHA-related conditions. ClinVar contains an entry for this variant (Variation ID: 965929). Invitae Evidence Modeling of protein sequence and biophysical properties (such as structural, functional, and spatial information, amino acid conservation, physicochemical variation, residue mobility, and thermodynamic stability) has been performed for this missense variant. However, the output from this modeling did not meet the statistical confidence thresholds required to predict the impact of this variant on BCKDHA protein function. In summary, the available evidence is currently insufficient to determine the role of this variant in disease. Therefore, it has been classified as a Variant of Uncertain Significance.

3billion
Classification: Likely benign for Maple syrup urine disease type 1A. Last evaluated: 2024-09-20. Review status: criteria provided, single submitter. Criteria: ACMG Guidelines, 2015. Collection method: clinical testing. Allele origin: germline. Affected: no.
Comment: The homozygous variant was found in patients diagnosed with another variant in a different gene, with no symptoms related to the gene containing the homozygous variant.

Natera, Inc.
Classification: Uncertain significance for Maple syrup urine disease type 1A. Last evaluated: 2021-02-02. Review status: no assertion criteria provided. Collection method: clinical testing. Allele origin: germline. Not counted in ClinVar's aggregate classification.

NM_000709.4(BCKDHA):c.1094G>A (p.Arg365Gln)

Gene: BCKDHA (branched chain keto acid dehydrogenase E1 subunit alpha; plus strand). Cytogenetic location: 19q13.2.
Variant type: single nucleotide variant.
Coding change: c.1094G>A on transcript NM_000709.4 (MANE Select); coding-DNA position 1094, G replaced by A.
Protein change: p.Arg365Gln; replaces arginine 365 with glutamine.
Molecular consequence: missense variant.
Genome position (GRCh38, 1-based): chr19:41,423,096, G>A. VCF-style: chr19-41423096-G-A. GRCh37 (hg19) VCF-style: chr19-41929001-G-A.
Other names: c.1091G>A, p.Arg364Gln (NM_001164783.2); short protein forms R364Q, R365Q.
Identifiers: ClinVar variation 965929 (VCV000965929.6), dbSNP rs375957868, ClinGen allele CA9461368.
Genomic context (GRCh38, chr19:41,423,096, plus strand): 5'-ACCGCTCGGTGGATGAGGTCAATTACTGGGATAAACAGGACCACCCCATCTCCCGGCTGC[G>A]GCACTATCTGCTGAGCCAAGGCTGGTGGGATGAGGAGCAGGAGAAGGCCTGGAGGAAGCA-3'
Protein context (NP_000700.1, residues 355-375): DKQDHPISRL[Arg365Gln]HYLLSQGWWD